The following is an entry in ClinVar:

NM_000465.4(BARD1):c.1568+2del

Gene: BARD1 (BRCA1 associated RING domain 1; minus strand). Cytogenetic location: 2q35.
Variant type: Deletion.
Coding change: c.1568+2del on transcript NM_000465.4 (MANE Select); the canonical splice donor site of the intron after coding-DNA position 1568, one base deleted (T; older notation c.1568+2delT).
Molecular consequence: splice donor variant. On other transcripts: intron variant (3).
Genome position (GRCh38, 1-based): chr2:214,767,480, A deleted on the plus strand (T on the coding strand, the reverse complement: BARD1 is on the minus strand). VCF-style (leftmost placement, unchanged base first): chr2-214767479-TA-T. GRCh37 (hg19) VCF-style: chr2-215632203-TA-T.
Other names: c.159-14925del (NM_001282548.2); c.1511+2del (NM_001282543.2); c.216-14925del (NM_001282545.2); c.364+24817del (NM_001282549.2).
Identifiers: ClinVar variation 3479650 (VCV003479650.1).

ClinVar aggregate classification (germline): Likely pathogenic (1 of 4 stars; one submission).

Conditions:
Hereditary cancer-predisposing syndrome. Also called: Tumor predisposition; Neoplastic Syndromes, Hereditary; Hereditary neoplastic syndrome; Hereditary Cancer Syndrome. Identifiers: Orphanet 140162, MedGen C0027672, MeSH D009386, MONDO:0015356.

Submission:

Ambry Genetics
Classification: Likely pathogenic for Hereditary cancer-predisposing syndrome. Last evaluated: 2024-07-17. Review status: criteria provided, single submitter. Criteria: Ambry Variant Classification Scheme 2023. Collection method: clinical testing. Allele origin: germline.
Comment: The c.1568+2delT variant results from a deletion of one nucleotide at position c.1568+2 and involves the canonical splice donor site after coding exon 6 of the BARD1 gene. This nucleotide position is highly conserved in available vertebrate species. In silico splice site analysis predicts that this alteration will weaken the native splice donor site. Alterations that disrupt the canonical splice site are expected to cause aberrant splicing, resulting in an abnormal protein or a transcript that is subject to nonsense-mediated mRNA decay. As such, this alteration is classified as likely pathogenic.